The following is an entry in ClinVar:

NM_182961.4(SYNE1):c.9165C>A (p.Ser3055=)

Gene: SYNE1 (spectrin repeat containing nuclear envelope protein 1; minus strand). Cytogenetic location: 6q25.2.
Variant type: single nucleotide variant.
Coding change: c.9165C>A on transcript NM_182961.4 (MANE Select); coding-DNA position 9165, C replaced by A.
Protein change: p.Ser3055=; no amino-acid change (serine 3055 retained).
Molecular consequence: synonymous variant.
Genome position (GRCh38, 1-based): chr6:152,376,540, G>T on the plus strand (C>A on the coding strand, the complement: SYNE1 is on the minus strand). VCF-style: chr6-152376540-G-T. GRCh37 (hg19) VCF-style: chr6-152697675-G-T.
Other names: p.Ser3062=; c.9186C>A, p.Ser3062= (NM_033071.5).
Identifiers: ClinVar variation 262203 (VCV000262203.24), dbSNP rs117020413, ClinGen allele CA4057378.

ClinVar aggregate classification (germline): Benign/Likely benign. Review status: criteria provided, multiple submitters, no conflicts (2 of 4 stars). 11 submissions from 10 submitters: Benign (6); Likely benign (2). 3 of the submissions do not count toward it. Last evaluated 2026-02-01.

Conditions:
Autosomal recessive ataxia, Beauce type. Also called: Spinocerebellar ataxia, autosomal recessive 8; ATAXIA, RECESSIVE, OF BEAUCE; SYNE1-Related Autosomal Recessive Cerebellar Ataxia; SYNE1 Deficiency. Identifiers: Orphanet 88644, MedGen C1853116, MONDO:0012549, OMIM 610743.
Emery-Dreifuss muscular dystrophy 4, autosomal dominant (EDMD4). Also called: EMERY-DREIFUSS MUSCULAR DYSTROPHY 4 WITH VARIABLE FEATURES. Identifiers: Orphanet 261, MedGen C2751807, MONDO:0013071, OMIM 612998.

Allele frequency attached by ClinVar (database versions not stated): 1000 Genomes Project 30x 0.00640; 1000 Genomes Project 0.00679; TOPMed 0.00808; gnomAD 0.00908; ESP Exome Variant Server 0.00946; gnomAD exomes 0.01224; ExAC 0.01345.
gnomAD v4.1: 20,809 of 1,613,918 alleles (1.3%); highest among the groups gnomAD compares: South Asian, 3.1%; 193 homozygotes.

Submissions (11):

Labcorp Genetics (formerly Invitae), Labcorp
Classification: Benign for Emery-Dreifuss muscular dystrophy 4, autosomal dominant; Autosomal recessive ataxia, Beauce type. Last evaluated: 2026-02-01. Review status: criteria provided, single submitter. Criteria: Invitae Variant Classification Sherloc (09022015). Collection method: clinical testing. Allele origin: germline.

Athena Diagnostics
Classification: Benign. Last evaluated: 2019-02-27. Review status: criteria provided, single submitter. Criteria: Athena Diagnostics Criteria. Collection method: clinical testing. Allele origin: germline.

Illumina Laboratory Services, Illumina
Classification: Benign for Autosomal recessive ataxia, Beauce type. Last evaluated: 2018-01-12. Review status: criteria provided, single submitter. Criteria: ICSL Variant Classification Criteria 13 December 2019. Collection method: clinical testing. Allele origin: germline.
Comment: This variant was observed in the ICSL laboratory as part of a predisposition screen in an ostensibly healthy population. It had not been previously curated by ICSL or reported in the Human Gene Mutation Database (HGMD: prior to June 1st, 2018), and was therefore a candidate for classification through an automated scoring system. Utilizing variant allele frequency, disease prevalence and penetrance estimates, and inheritance mode, an automated score was calculated to assess if this variant is too frequent to cause the disease. Based on the score and internal cut-off values, a variant classified as benign is not then subjected to further curation. The score for this variant resulted in a classification of benign for this disease.

Illumina Laboratory Services, Illumina
Classification: Benign for Emery-Dreifuss muscular dystrophy 4, autosomal dominant. Last evaluated: 2018-01-12. Review status: criteria provided, single submitter. Criteria: ICSL Variant Classification Criteria 13 December 2019. Collection method: clinical testing. Allele origin: germline.
Comment: the same text as in the submission from Illumina Laboratory Services, Illumina above.

Mayo Clinic Laboratories, Mayo Clinic
Classification: Benign. Last evaluated: 2017-12-18. Review status: criteria provided, single submitter. Criteria: ACMG Guidelines, 2015. Collection method: clinical testing. Allele origin: germline. Observed: 23 variant alleles.

GeneDx
Classification: Benign. Last evaluated: 2016-02-26. Review status: criteria provided, single submitter. Criteria: GeneDx Variant Classification (06012015). Collection method: clinical testing. Allele origin: germline. Affected: yes.
Comment: This variant is considered likely benign or benign based on one or more of the following criteria: it is a conservative change, it occurs at a poorly conserved position in the protein, it is predicted to be benign by multiple in silico algorithms, and/or has population frequency not consistent with disease.

Breakthrough Genomics
Classification: Likely benign. Review status: criteria provided, single submitter. Criteria: ACMG Guidelines, 2015. Collection method: not provided. Allele origin: germline. Inheritance: Autosomal recessive inheritance. Affected: yes.

PreventionGenetics, part of Exact Sciences
Classification: Likely benign. Review status: criteria provided, single submitter. Criteria: ACMG Guidelines, 2015. Collection method: clinical testing. Allele origin: germline.

Clinical Genetics DNA and cytogenetics Diagnostics Lab, Erasmus MC, Erasmus Medical Center
Classification: Benign. Review status: no assertion criteria provided. Collection method: clinical testing. Allele origin: germline. Affected: yes. Study: VKGL Data-share Consensus. Not counted in ClinVar's aggregate classification.

Clinical Genetics, Academic Medical Center
Classification: Benign. Review status: no assertion criteria provided. Collection method: clinical testing. Allele origin: germline. Affected: yes. Study: VKGL Data-share Consensus. Not counted in ClinVar's aggregate classification.

Diagnostic Laboratory, Department of Genetics, University Medical Center Groningen
Classification: Benign. Review status: no assertion criteria provided. Collection method: clinical testing. Allele origin: germline. Affected: yes. Study: VKGL Data-share Consensus. Not counted in ClinVar's aggregate classification.